The following is an entry in ClinVar:

ClinVar aggregate classification (germline): Uncertain significance (1 of 4 stars; one submission).

Conditions:
Inborn genetic diseases. Identifiers: MedGen C0950123, MeSH D030342.

gnomAD v4.1: 1 of 1,613,372 alleles (0.000062%); highest among the groups gnomAD compares: Admixed American, 0.0017%; no homozygotes.

Submission:

Ambry Genetics
Classification: Uncertain significance for Inborn genetic diseases. Last evaluated: 2026-07-06. Review status: criteria provided, single submitter. Criteria: Ambry Variant Classification Scheme 2023. Collection method: clinical testing. Allele origin: germline.
Comment: The p.S271G variant (also known as c.811A>G), located in coding exon 5 of the ETV6 gene, results from an A to G substitution at nucleotide position 811. The serine at codon 271 is replaced by glycine, an amino acid with similar properties. This amino acid position is conserved. In addition, the in silico prediction for this alteration is inconclusive. Based on the available evidence, the clinical significance of this variant remains unclear.

NM_001987.5(ETV6):c.811A>G (p.Ser271Gly)

Gene: ETV6 (ETS variant transcription factor 6; plus strand). Cytogenetic location: 12p13.2.
Variant type: single nucleotide variant.
Coding change: c.811A>G on transcript NM_001987.5 (MANE Select); coding-DNA position 811, A replaced by G.
Protein change: p.Ser271Gly; replaces serine 271 with glycine.
Molecular consequence: missense variant.
Genome position (GRCh38, 1-based): chr12:11,869,771, A>G. VCF-style: chr12-11869771-A-G. GRCh37 (hg19) VCF-style: chr12-12022705-A-G.
Other names: c.808A>G, p.Ser270Gly (NM_001413913.1); c.784A>G, p.Ser262Gly (NM_001413914.1); c.547A>G, p.Ser183Gly (NM_001413915.1); c.811A>G, p.Ser271Gly (NM_001413916.1, NM_001413917.1); short protein forms S270G, S262G, S183G, S271G.
Identifiers: ClinVar variation 5036179 (VCV005036179.1).